The following is an entry in ClinVar:

ClinVar aggregate classification (germline): Uncertain significance. Review status: criteria provided, multiple submitters, no conflicts (2 of 4 stars). 2 submissions from 2 submitters: Uncertain significance (2). Last evaluated 2024-04-17.

Conditions:
Ataxia-telangiectasia syndrome (AT). Also called: LOUIS-BAR SYNDROME; Cerebello-oculocutaneous telangiectasia; Immunodeficiency with ataxia telangiectasia; Ataxia-telangiectasia, complementation group D; AT, COMPLEMENTATION GROUP C; ATAXIA-TELANGIECTASIA, COMPLEMENTATION GROUP A. Identifiers: Orphanet 100, MedGen C0004135, MONDO:0008840, OMIM 208900.
Hereditary cancer-predisposing syndrome. Also called: Neoplastic Syndromes, Hereditary; Tumor predisposition; Hereditary Cancer Syndrome; Hereditary neoplastic syndrome. Identifiers: Orphanet 140162, MedGen C0027672, MeSH D009386, MONDO:0015356.

gnomAD v4.1: 1 of 1,613,890 alleles (0.000062%); highest among the groups gnomAD compares: Non-Finnish European, 0.000085%; no homozygotes.

Submissions (2):

Labcorp Genetics (formerly Invitae), Labcorp
Classification: Uncertain significance for Ataxia-telangiectasia syndrome. Last evaluated: 2024-04-17. Review status: criteria provided, single submitter. Criteria: Invitae Variant Classification Sherloc (09022015). Collection method: clinical testing. Allele origin: germline.
Comment: This sequence change replaces tyrosine, which is neutral and polar, with histidine, which is basic and polar, at codon 155 of the ATM protein (p.Tyr155His). This variant is not present in population databases (gnomAD no frequency). This variant has not been reported in the literature in individuals affected with ATM-related conditions. ClinVar contains an entry for this variant (Variation ID: 1742100). An algorithm developed to predict the effect of missense changes on protein structure and function (PolyPhen-2) suggests that this variant is likely to be disruptive. In summary, the available evidence is currently insufficient to determine the role of this variant in disease. Therefore, it has been classified as a Variant of Uncertain Significance.

Ambry Genetics
Classification: Uncertain significance for Hereditary cancer-predisposing syndrome. Last evaluated: 2021-08-06. Review status: criteria provided, single submitter. Criteria: Ambry Variant Classification Scheme 2023. Collection method: clinical testing. Allele origin: germline.
Comment: The p.Y155H variant (also known as c.463T>C), located in coding exon 4 of the ATM gene, results from a T to C substitution at nucleotide position 463. The tyrosine at codon 155 is replaced by histidine, an amino acid with similar properties. This amino acid position is conserved. In addition, this alteration is predicted to be deleterious by in silico analysis. Since supporting evidence is limited at this time, the clinical significance of this alteration remains unclear.

NM_000051.4(ATM):c.463T>C (p.Tyr155His)

Gene: ATM (ATM serine/threonine kinase; plus strand). Cytogenetic location: 11q22.3.
Variant type: single nucleotide variant.
Coding change: c.463T>C on transcript NM_000051.4 (MANE Select); coding-DNA position 463, T replaced by C.
Protein change: p.Tyr155His; replaces tyrosine 155 with histidine.
Molecular consequence: missense variant.
Genome position (GRCh38, 1-based): chr11:108,235,801, T>C. VCF-style: chr11-108235801-T-C. GRCh37 (hg19) VCF-style: chr11-108106528-T-C.
Other names: c.463T>C, p.Tyr155His (NM_001351834.2); short protein forms Y155H.
Identifiers: ClinVar variation 1742100 (VCV001742100.4), dbSNP rs1555059450, ClinGen allele CA382525461.